The following is an entry in ClinVar:

NM_004484.4(GPC3):c.1454A>C (p.Asp485Ala)

Gene: GPC3 (glypican 3; minus strand). Cytogenetic location: Xq26.2.
Variant type: single nucleotide variant.
Coding change: c.1454A>C on transcript NM_004484.4 (MANE Select); coding-DNA position 1454, A replaced by C.
Protein change: p.Asp485Ala; replaces aspartic acid 485 with alanine.
Molecular consequence: missense variant.
Genome position (GRCh38, 1-based): chrX:133,596,559, T>G on the plus strand (A>C on the coding strand, the complement: GPC3 is on the minus strand). VCF-style: chrX-133596559-T-G. GRCh37 (hg19) VCF-style: chrX-132730587-T-G.
Other names: c.1523A>C, p.Asp508Ala (NM_001164617.2); c.1406A>C, p.Asp469Ala (NM_001164618.2); c.1292A>C, p.Asp431Ala (NM_001164619.2); short protein forms D431A, D469A, D485A, D508A.
Identifiers: ClinVar variation 939767 (VCV000939767.11), dbSNP rs2069918325, ClinGen allele CA414701497.

ClinVar aggregate classification (germline): Uncertain significance. Review status: criteria provided, multiple submitters, no conflicts (2 of 4 stars). 2 submissions from 2 submitters: Uncertain significance (2). Last evaluated 2023-11-12.

Conditions:
Simpson-Golabi-Behmel syndrome type 1 (SGBS1). Also called: GPC3-Related Simpson-Golabi-Behmel Syndrome Type 1; SIMPSON DYSMORPHIA SYNDROME; BULLDOG SYNDROME; DYSPLASIA GIGANTISM SYNDROME, X-LINKED; GOLABI-ROSEN SYNDROME. Identifiers: Orphanet 373, MedGen C0796154, MONDO:0020602, OMIM 312870.
Wilms tumor 1 (WT1). Also called: Wilms tumor, somatic. Identifiers: Orphanet 654, MedGen CN033288, MONDO:0008679, OMIM 194070.

Submissions (2):

Labcorp Genetics (formerly Invitae), Labcorp
Classification: Uncertain significance for Wilms tumor 1. Last evaluated: 2023-11-12. Review status: criteria provided, single submitter. Criteria: Invitae Variant Classification Sherloc (09022015). Collection method: clinical testing. Allele origin: germline.
Comment: This sequence change replaces aspartic acid, which is acidic and polar, with alanine, which is neutral and non-polar, at codon 485 of the GPC3 protein (p.Asp485Ala). This variant is not present in population databases (gnomAD no frequency). This variant has not been reported in the literature in individuals affected with GPC3-related conditions. ClinVar contains an entry for this variant (Variation ID: 939767). Advanced modeling of protein sequence and biophysical properties (such as structural, functional, and spatial information, amino acid conservation, physicochemical variation, residue mobility, and thermodynamic stability) performed at Invitae indicates that this missense variant is not expected to disrupt GPC3 protein function with a negative predictive value of 80%. In summary, the available evidence is currently insufficient to determine the role of this variant in disease. Therefore, it has been classified as a Variant of Uncertain Significance.

Baylor Genetics
Classification: Uncertain significance for Simpson-Golabi-Behmel syndrome type 1. Last evaluated: 2021-07-27. Review status: criteria provided, single submitter. Criteria: ACMG Guidelines, 2015. Collection method: clinical testing. Allele origin: maternal. Affected: yes. Study: CSER-TexasKidsCanSeq.
Comment: This variant was determined to be of uncertain significance according to ACMG Guidelines, 2015 [PMID:25741868].